The following is an entry in ClinVar:

NM_001351132.2(PEX5):c.417C>G (p.Asp139Glu)

Gene: PEX5 (peroxisomal biogenesis factor 5; plus strand). Cytogenetic location: 12p13.31.
Variant type: single nucleotide variant.
Coding change: c.417C>G on transcript NM_001351132.2 (MANE Select); coding-DNA position 417, C replaced by G.
Protein change: p.Asp139Glu; replaces aspartic acid 139 with glutamic acid.
Molecular consequence: missense variant.
Genome position (GRCh38, 1-based): chr12:7,191,669, C>G. VCF-style: chr12-7191669-C-G. GRCh37 (hg19) VCF-style: chr12-7344265-C-G.
Other names: c.417C>G, p.Asp139Glu (NM_000319.5, NM_001131024.2, NM_001131025.2 and 19 more transcripts); c.462C>G, p.Asp154Glu (NM_001131023.2, NM_001351135.3, NM_001351138.2); short protein forms D154E, D139E.
Identifiers: ClinVar variation 2041510 (VCV002041510.2), dbSNP rs2539849096, ClinGen allele CA383712661.

ClinVar aggregate classification (germline): Uncertain significance (1 of 4 stars; one submission).

Conditions:
Peroxisome biogenesis disorder 2B (PBD2B). Identifiers: Orphanet 44, MedGen C3550234, MONDO:0008736, OMIM 202370.

gnomAD v4.1: 2 of 1,613,740 alleles (0.00012%); highest among the groups gnomAD compares: Non-Finnish European, 0.00017%; no homozygotes.

Submission:

Labcorp Genetics (formerly Invitae), Labcorp
Classification: Uncertain significance for Peroxisome biogenesis disorder 2B. Last evaluated: 2022-07-19. Review status: criteria provided, single submitter. Criteria: Invitae Variant Classification Sherloc (09022015). Collection method: clinical testing. Allele origin: germline.
Comment: This sequence change replaces aspartic acid, which is acidic and polar, with glutamic acid, which is acidic and polar, at codon 139 of the PEX5 protein (p.Asp139Glu). This variant is not present in population databases (gnomAD no frequency). This variant has not been reported in the literature in individuals affected with PEX5-related conditions. Algorithms developed to predict the effect of missense changes on protein structure and function (SIFT, PolyPhen-2, Align-GVGD) all suggest that this variant is likely to be tolerated. In summary, the available evidence is currently insufficient to determine the role of this variant in disease. Therefore, it has been classified as a Variant of Uncertain Significance.